The following is an entry in ClinVar:

NM_194248.3(OTOF):c.1913-50G>A

Gene: OTOF (otoferlin; minus strand). Cytogenetic location: 2p23.3.
Variant type: single nucleotide variant.
Coding change: c.1913-50G>A on transcript NM_194248.3 (MANE Select); 50 bases into the intron before coding-DNA position 1913, G replaced by A.
Molecular consequence: intron variant.
Genome position (GRCh38, 1-based): chr2:26,479,703, C>T on the plus strand (G>A on the coding strand, the complement: OTOF is on the minus strand). VCF-style: chr2-26479703-C-T. GRCh37 (hg19) VCF-style: chr2-26702571-C-T.
Other names: c.1913-50G>A (NM_001287489.2).
Identifiers: ClinVar variation 4879935 (VCV004879935.1).

ClinVar aggregate classification (germline): Likely pathogenic (0 of 4 stars; one submission).

Conditions:
Autosomal recessive nonsyndromic hearing loss 9. Also called: NEUROSENSORY NONSYNDROMIC RECESSIVE DEAFNESS 9; OTOF-Related Hearing Loss; Deafness, autosomal recessive 9; AUDITORY NEUROPATHY, AUTOSOMAL RECESSIVE, 1, TEMPERATURE-SENSITIVE. Identifiers: Orphanet 90636, MedGen C1832828, MONDO:0010986, OMIM 601071.

Submission:

Diagnosis and Treatment Center of Genetic Hearing Loss, Eye & ENT Hospital of Fudan University
Classification: Likely pathogenic for Autosomal recessive nonsyndromic hearing loss 9. Last evaluated: 2026-02-04. Review status: no assertion criteria provided. Collection method: clinical testing, in vitro. Allele origin: germline, not applicable. Inheritance: Autosomal recessive inheritance. Affected: yes. Functional consequence: activated cryptic splice donor.
Comment: The c.1913-50G>A variant in intron 16 of OTOF was identified in sibling patients with profound hearing loss. Peripheral blood splicing assay amplification failed due to low abundance. Minigene assay in 293T and HeLa cells showed activation of a cryptic splice site, leading to a 75‑bp retention from intron 16 and a frameshift (p.Asn639Serfs*14). Residual normal splicing cannot be excluded; therefore, PVS1 was downgraded to PVS1_Supporting. It was found in trans with a pathogenic variant (PM3), is absent from population databases (PM2_Supporting), segregates in affected siblings (PP1), and the phenotype is consistent with auditory neuropathy (PP4). It was reclassified as Likely Pathogenic (PVS1_Supporting, PM3, PM2_Supporting, PP4, PP1).